The following is an entry in ClinVar:

NM_001330078.2(NRXN1):c.2498-302G>T

Gene: NRXN1 (neurexin 1; minus strand). Cytogenetic location: 2p16.3.
Variant type: single nucleotide variant.
Coding change: c.2498-302G>T on transcript NM_001330078.2 (MANE Select); 302 bases into the intron before coding-DNA position 2498, G replaced by T.
Molecular consequence: intron variant.
Genome position (GRCh38, 1-based): chr2:50,498,016, C>A on the plus strand (G>T on the coding strand, the complement: NRXN1 is on the minus strand). VCF-style: chr2-50498016-C-A. GRCh37 (hg19) VCF-style: chr2-50725154-C-A.
Other names: c.2387-302G>T (NM_001330096.2, NM_001330087.2); c.2432-302G>T (NM_001330083.2, NM_001330084.2); c.2417-302G>T (NM_001330088.2); c.2495-302G>T (NM_001330093.2); c.2486-302G>T (NM_001330094.2); c.2447-302G>T (NM_001330095.2); c.2474-302G>T (NM_001330082.2, NM_001330077.2); c.2471-302G>T (NM_001330085.2); and 2 more.
Identifiers: ClinVar variation 667534 (VCV000667534.1), dbSNP rs13001104, ClinGen allele CA11012645.
Genomic context (GRCh38, chr2:50,498,016, plus strand): 5'-AACAAAAGTAATGGTATCTTTTAAAGGCGAAAAATAAACAAATTAGCAAGAGAGTGAGCA[C>A]ATAGTAAAAGAAGGAGAGGGAGGAAAAAAGGAAAGAAGGGAGAGTGCACAGAGAGACGCA-3'

ClinVar aggregate classification (germline): Benign (1 of 4 stars; one submission).

Allele frequency attached by ClinVar (database versions not stated): 1000 Genomes Project 0.55331; 1000 Genomes Project 30x 0.55575; TOPMed 0.56147; gnomAD 0.56194 and 0.57170.
gnomAD v4.1: 85,098 of 151,328 alleles (56%); highest among the groups gnomAD compares: African/African-American, 78%; 25,457 homozygotes.

Submission:

GeneDx
Classification: Benign. Last evaluated: 2018-06-18. Review status: criteria provided, single submitter. Criteria: GeneDx Variant Classification (06012015). Collection method: clinical testing. Allele origin: germline. Affected: yes.
Comment: This variant is considered likely benign or benign based on one or more of the following criteria: it is a conservative change, it occurs at a poorly conserved position in the protein, it is predicted to be benign by multiple in silico algorithms, and/or has population frequency not consistent with disease.